The following is an entry in ClinVar:

NM_001145122.2(CAPN14):c.1512T>C (p.Ser504=)

Gene: CAPN14 (calpain 14; minus strand). Cytogenetic location: 2p23.1.
Variant type: single nucleotide variant.
Coding change: c.1512T>C on transcript NM_001145122.2 (MANE Select); coding-DNA position 1512, T replaced by C.
Protein change: p.Ser504=; no amino-acid change (serine 504 retained).
Molecular consequence: synonymous variant.
Genome position (GRCh38, 1-based): chr2:31,188,336, A>G on the plus strand (T>C on the coding strand, the complement: CAPN14 is on the minus strand). VCF-style: chr2-31188336-A-G. GRCh37 (hg19) VCF-style: chr2-31411202-A-G.
Other names: c.984T>C, p.Ser328= (NM_001321270.2).
Identifiers: ClinVar variation 3905681 (VCV003905681.10).

ClinVar aggregate classification (germline): Likely benign (1 of 4 stars; one submission).

Submission:

CeGaT Center for Human Genetics Tuebingen
Classification: Likely benign. Last evaluated: 2025-05-01. Review status: criteria provided, single submitter. Criteria: CeGaT Center For Human Genetics Tuebingen Variant Classification Criteria Version 2. Collection method: clinical testing. Allele origin: germline. Affected: yes. Observed: 1 variant allele.
Comment: CAPN14: PM2:Supporting, BP4, BP7